The following is an entry in ClinVar:

NM_005422.4(TECTA):c.1621G>A (p.Val541Met)

Genes: TBCEL-TECTA (TBCEL-TECTA readthrough; plus strand), TECTA (tectorin alpha; plus strand). Cytogenetic location: 11q23.3.
Variant type: single nucleotide variant.
Coding change: c.1621G>A on transcript NM_005422.4 (MANE Select); coding-DNA position 1621, G replaced by A.
Protein change: p.Val541Met; replaces valine 541 with methionine.
Molecular consequence: missense variant.
Genome position (GRCh38, 1-based): chr11:121,125,719, G>A. VCF-style: chr11-121125719-G-A. GRCh37 (hg19) VCF-style: chr11-120996428-G-A.
Other names: c.2578G>A, p.Val860Met (NM_001378761.1); short protein forms V541M, V860M.
Identifiers: ClinVar variation 229291 (VCV000229291.26), dbSNP rs370652301, ClinGen allele CA6326791.

ClinVar aggregate classification (germline): Conflicting classifications of pathogenicity. Review status: criteria provided, conflicting classifications (1 of 4 stars). 9 submissions from 9 submitters: Likely pathogenic (1); Uncertain significance (6); Likely benign (2). Last evaluated 2026-09-02.

Conditions:
TECTA-related disorder. Also called: TECTA-related condition.
Autosomal dominant nonsyndromic hearing loss 12. Also called: DEAFNESS, AUTOSOMAL DOMINANT 8. Identifiers: Orphanet 90635, MedGen C1832187, MONDO:0011102, OMIM 601543.
Autosomal recessive nonsyndromic hearing loss 21. Identifiers: Orphanet 90636, MedGen C1863655, MONDO:0011351, OMIM 603629.

Allele frequency attached by ClinVar (database versions not stated): TOPMed 0.00005; gnomAD 0.00006; ExAC 0.00008; ESP Exome Variant Server 0.00008; gnomAD exomes 0.00009.
gnomAD v4.1: 107 of 1,613,178 alleles (0.0066%); highest among the groups gnomAD compares: Middle Eastern, 0.066%; no homozygotes.

Submissions (9):

GeneDx
Classification: Uncertain significance. Last evaluated: 2026-09-02. Review status: criteria provided, single submitter. Criteria: GeneDx Variant Classification Process June 2021. Collection method: clinical testing. Allele origin: germline.
Comment: In silico analysis suggests that this missense variant does not alter protein structure/function; Has not been previously published as pathogenic or benign to our knowledge; This variant is associated with the following publications: (PMID: 31554319, 9590290, 21520338)

Labcorp Genetics (formerly Invitae), Labcorp
Classification: Likely benign. Last evaluated: 2025-08-31. Review status: criteria provided, single submitter. Criteria: Invitae Variant Classification Sherloc (09022015). Collection method: clinical testing. Allele origin: germline.

Blueprint Genetics
Classification: Uncertain significance. Last evaluated: 2024-08-02. Review status: criteria provided, single submitter. Criteria: ACMG Guidelines, 2015. Collection method: clinical testing. Allele origin: germline.

Laboratory of Prof. Karen Avraham, Tel Aviv University
Classification: Likely pathogenic for Autosomal dominant nonsyndromic hearing loss 12. Last evaluated: 2024-06-09. Review status: criteria provided, single submitter. Criteria: ACMG Guidelines, 2015. Collection method: research. Allele origin: germline. Affected: yes. Observed: 1 variant allele.
Comment: A very rare variant predicted deleterious by most prediction programs. The variant is located in the TECTA ZA domain. Known AD mutations in this domain are known to be involved in high-tone HL (PMID: 31554319), the same type of HL as of this proband

DFNA12; high-tone HL

PreventionGenetics, part of Exact Sciences
Classification: Uncertain significance for TECTA-related condition. Last evaluated: 2023-04-20. Review status: criteria provided, single submitter. Criteria: ACMG Guidelines, 2015. Collection method: clinical testing. Allele origin: germline.
Comment: The TECTA c.1621G>A variant is predicted to result in the amino acid substitution p.Val541Met. To our knowledge, this variant has not been reported in the literature. This variant is reported in 0.046% of alleles in individuals of South Asian descent in gnomAD. At this time, the clinical significance of this variant is uncertain due to the absence of conclusive functional and genetic evidence.

Laboratory of Medical Genetics, National & Kapodistrian University of Athens
Classification: Uncertain significance for Autosomal recessive nonsyndromic hearing loss 21. Last evaluated: 2021-10-06. Review status: criteria provided, single submitter. Criteria: ACMG Guidelines, 2015. Collection method: clinical testing. Allele origin: unknown.
Comment: PM2, PP2, PP3

Dubai Health Genomic Medicine Center, Dubai Health
Classification: Likely benign for Autosomal dominant nonsyndromic hearing loss 12. Last evaluated: 2021-02-07. Review status: criteria provided, single submitter. Criteria: ACMG Guidelines, 2015. Collection method: clinical testing. Allele origin: germline. Affected: yes.

ARUP Laboratories, Molecular Genetics and Genomics, ARUP Laboratories
Classification: Uncertain significance. Last evaluated: 2019-03-18. Review status: criteria provided, single submitter. Criteria: ARUP Molecular Germline Variant Investigation Process. Collection method: clinical testing. Allele origin: germline.
Comment: The TECTA c.1621G>A; p.Val541Met variant (rs370652301), to our knowledge, has not been reported in the medical literature; however, this variant is listed in the ClinVar database (Variation ID: 229291). This variant is found in the general population with an overall allele frequency of 0.008% (24/282,660 alleles) in the Genome Aggregation Database. The valine at codon 541 is moderately conserved (Alamut v.2.11) and computational analyses (SIFT: tolerated, PolyPhen-2; probably damaging) predict conflicting effects of this variant on protein structure/function. Thus, based on the available information, the clinical significance of this variant is uncertain.

Laboratory for Molecular Medicine, Mass General Brigham Personalized Medicine
Classification: Uncertain significance. Last evaluated: 2015-06-03. Review status: criteria provided, single submitter. Criteria: LMM Criteria. Collection method: clinical testing. Allele origin: germline. Observed: 1 variant allele.
Comment: The p.Val541Met variant in TECTA has not been previously reported in individuals with hearing loss, but has been identified in 7/16504 South Asian chromosomes b y the Exome Aggregation Consortium (ExAC; dbSNP rs370652301). Although this variant has been seen in the general population, its frequency is not high enough to rule out a pathogenic role. Computational predi ction tools and conservation analyses do not provide strong support for or again st an impact to the protein. In summary, the clinical significance of the p.Val5 41Met variant is uncertain.